The following is an entry in ClinVar:

ClinVar aggregate classification (germline): Conflicting classifications of pathogenicity. Review status: criteria provided, conflicting classifications (1 of 4 stars). 24 submissions from 23 submitters: Pathogenic (5); Likely pathogenic (9); Uncertain significance (5); Likely benign (1). 4 of the submissions do not count toward it. Last evaluated 2026-09-01.

Conditions:
SOD1-related disorder. Also called: SOD1-related condition.
Adult onset neurodegenerative disorder.
Amyotrophic lateral sclerosis (ALS). Also called: Charcot disease; Lou Gehrig disease. Identifiers: Orphanet 803, MedGen C0002736, MONDO:0004976, HP:0007354.
Amyotrophic lateral sclerosis type 1 (ALS1). Also called: AMYOTROPHIC LATERAL SCLEROSIS 1, FAMILIAL. Identifiers: Orphanet 803, MedGen C1862939, MONDO:0007103, OMIM 105400.
Amyotrophic lateral sclerosis 1, autosomal recessive. Identifiers: MedGen C5686324.

Allele frequency attached by ClinVar (database versions not stated): 1000 Genomes Project 0.00040; 1000 Genomes Project 30x 0.00047; gnomAD exomes 0.00094 and 0.00143; gnomAD 0.00121 and 0.00126; TOPMed 0.00030; ExAC 0.00112.
gnomAD v4.1: 1,538 of 1,614,112 alleles (0.095%); highest among the groups gnomAD compares: Non-Finnish European, 0.061%; 4 homozygotes.

Submissions 1 to 9 of 24:

CeGaT Center for Human Genetics Tuebingen
Classification: Pathogenic. Last evaluated: 2026-09-01. Review status: criteria provided, single submitter. Criteria: CeGaT Center For Human Genetics Tuebingen Variant Classification Criteria Version 2. Collection method: clinical testing. Allele origin: germline. Affected: yes. Observed: 13 variant alleles.
Comment: SOD1: PS4, PM1, PM5, PM2:Supporting, PS3:Supporting

GeneDx
Classification: Uncertain significance. Last evaluated: 2026-08-26. Review status: criteria provided, single submitter. Criteria: GeneDx Variant Classification Process June 2021. Collection method: clinical testing. Allele origin: germline.
Comment: Recent published functional studies demonstrate increased protein aggregation and decreased protein abundance in cells expressing p.(D91A) (PMID: 36376198); however, previous functional studies suggest that the D91A variant may not alter protein activity and stability to the same degree as other established SOD1 variants associated with familial ALS (PMID: 7655469, 23280792, 12482932); In silico analysis suggests that this missense variant does not alter protein structure/function; Also reported as D90A in the published literature; This variant is associated with the following publications: (PMID: 22645277, 19703565, 25792239, 7655469, 35576897, 35933239, 34996976, 34873335, 32789025, 28222900, 30220791, 29915382, 32769137, 18319614, 16945901, 18608106, 19922148, 19483195, 19635794, 23291526, 24591457, 22264771, 25509359, 12482932, 11220750, 28642336, 28430856, 31086828, 32497448, 32987860, 9817920, 32948071, 12270693, 10540007, 8909456, 11284995, 29861044, 32409511, 32951934, 33408239, 35295181, 38374194, 38568044, 39563277, 7647793, 20460594, 23280792, 34616013, 34668453, 38540370, 10809943, 12442272, 11369193, 18428003, 17420412, 17146286, 19965850, 25806427, 14506936, 28105640, 41511639, 41664997, 41620420, 41474642, 41839426, 40571342, 41379813, 39843441, 40957416, 41691309, 41359166, 41852184, 41579929, 42183665, 41677614, 40605360, 41493797, 42615765, 42621206, 41742309, 42561134, 41428955, 42581415, 42195033, 36376198, 42614182)

Labcorp Genetics (formerly Invitae), Labcorp
Classification: Uncertain significance for Amyotrophic lateral sclerosis type 1. Last evaluated: 2025-12-22. Review status: criteria provided, single submitter. Criteria: Invitae Variant Classification Sherloc (09022015). Collection method: clinical testing. Allele origin: germline.
Comment: This sequence change replaces aspartic acid, which is acidic and polar, with alanine, which is neutral and non-polar, at codon 91 of the SOD1 protein (p.Asp91Ala). This variant is present in population databases (rs80265967, gnomAD 1.2%), and has an allele count higher than expected for a pathogenic variant. This missense change has been observed in individuals with autosomal recessive amyotrophic lateral sclerosis (PMID: 7647793, 10809943, 11220750, 11284995, 11369193, 14506936, 18608106, 19703565, 20460594, 22264771, 23062701, 23280792). This variant has been reported in individual(s) with autosomal dominant amyotrophic lateral sclerosis (PMID: 8909456, 10809943, 14506936, 19922148, 22264771); however, the role of the variant in this condition is currently unclear. This variant is also known as p.Asp90Ala. ClinVar contains an entry for this variant (Variation ID: 14766). An algorithm developed to predict the effect of missense changes on protein structure and function (PolyPhen-2) suggests that this variant is likely to be tolerated. Experimental studies have shown that this missense change affects SOD1 function (PMID: 7655469, 12482932, 16945901, 17420412, 18319614, 19635794, 19703565, 20189984, 22264771, 25509359, 25792239). In summary, the available evidence is currently insufficient to determine the role of this variant in disease. Therefore, it has been classified as a Variant of Uncertain Significance.

Women's Health and Genetics/Laboratory Corporation of America, LabCorp
Classification: Likely pathogenic for Amyotrophic lateral sclerosis type 1. Last evaluated: 2025-12-03. Review status: criteria provided, single submitter. Criteria: LabCorp Variant Classification Summary - May 2015. Collection method: clinical testing. Allele origin: germline.
Comment: Variant summary: SOD1 c.272A>C (p.Asp91Ala), also referred to as p.D90A in the literature, results in a non-conservative amino acid change located in the superoxide dismutase, copper/zinc binding domain of the encoded protein sequence. Algorithms developed to predict the effect of missense changes on protein structure and function all suggest that this variant is likely to be disruptive. The variant allele was found at a frequency of 0.0014 in 251472 control chromosomes in the gnomAD database, including 2 homozygotes. This frequency is not significantly higher than estimated for disease-causing variants in SOD1, allowing no conclusion about variant significance. c.272A>C has been observed in multiple multiple homozygous individuals affected with Amyotrophic Lateral Sclerosis (ALS) from families where the disorder is inherited in an autosomal recessive pattern, the majority of whom are of Scandinavian ancestry. Although the variant has been found to segregate with ALS in several of these families (e.g. Anderson_1995), there are also kindreds where the variant is only found in affected individuals from one branch of the family, while affected individuals from another branch do not have the variant (e.g. Felbecker_2010). Additionally, unaffected homozygous individuals have been reported in at least one family, suggesting reduced penetrance (e.g. Khoris_2000). The variant has also been reported in the compound heterozygous state in at least one ALS family (e.g. Hand_2001) and the heterozygous state in multiple individuals with autosomal dominant ALS (e.g. Robberecht_1996, Berdynski_2022). It has been found that families with autosomal recessive inheritance share the same founder haplotype, whereas several founders exist for those with the variant who exhibit an autosomal dominant pattern of inheritance (Al-Chalabi_1998). Altogether, these data indicate that the variant is likely to be associated with disease. Several publications report experimental evidence evaluating an impact on protein function (e.g. Anderson_1995, Lindberg_2002, Jonsson_2002, Prudencio_2009, Chen_2023). While the variant does not appear to negatively affect Cu-Zn-SOD activity, in at least two studies it has been found to result in significantly increased protein aggregation compared to the wild type protein (e.g. Prudencio_2009, Chen_2023). The following publications have been ascertained in the context of this evaluation (PMID: 9817920, 7647793, 34996976, 36376198, 20460594, 12270693, 10809943, 12482932, 19483195, 8909456, 11220750). ClinVar contains an entry for this variant (Variation ID: 14766). Based on the evidence outlined above, the variant was classified as likely pathogenic.

NHS Central & South Genomic Laboratory Hub
Classification: Likely pathogenic for Adult onset neurodegenerative disorder. Last evaluated: 2025-10-21. Review status: criteria provided, single submitter. Criteria: ACMG Guidelines, 2015. Collection method: clinical testing. Allele origin: germline. Affected: yes.

Revvity Omics, Revvity
Classification: Uncertain significance. Last evaluated: 2025-07-04. Review status: criteria provided, single submitter. Criteria: ACMG Guidelines, 2015. Collection method: clinical testing. Allele origin: germline.

Foundation for Research in Genetics and Endocrinology, FRIGE's Institute of Human Genetics
Classification: Likely pathogenic for Amyotrophic lateral sclerosis type 1. Last evaluated: 2025-04-10. Review status: criteria provided, single submitter. Criteria: ACMG Guidelines, 2015. Collection method: clinical testing. Allele origin: germline. Inheritance: Autosomal recessive inheritance. Affected: yes. Observed: 1 homozygote.
Comment: A homozygous missense variant in exon 4 of the SOD1 gene that results in an amino acid substitution of Alanine for Aspartic acid at codon 91 was detected. The observed variant c.272A>C (p.Asp91Ala) has a MAF of 0.0952% in the gnomAD databases. The in-silico prediction of the variant are possibly deleterious by FATHMM, MetaLR and BayesDel. This variant has been reported in the ClinVar with conflicting interpretations of pathogenicity (VCV000014766.61). The reference codon is conserved across species. In summary, the variant meets our criteria to be classified as likely pathogenic.

3billion
Classification: Likely pathogenic for Amyotrophic lateral sclerosis type 1. Last evaluated: 2025-03-18. Review status: criteria provided, single submitter. Criteria: ACMG Guidelines, 2015. Collection method: clinical testing. Allele origin: germline. Affected: yes.

Laboratory of Genetics, Children's Clinical University Hospital Latvia
Classification: Likely benign. Last evaluated: 2025-02-16. Review status: criteria provided, single submitter. Criteria: ACMG Guidelines, 2015. Collection method: clinical testing. Allele origin: germline. Affected: yes.

NM_000454.5(SOD1):c.272A>C (p.Asp91Ala)

Gene: SOD1 (superoxide dismutase 1; plus strand). Cytogenetic location: 21q22.11.
Variant type: single nucleotide variant.
Coding change: c.272A>C on transcript NM_000454.5 (MANE Select); coding-DNA position 272, A replaced by C.
Protein change: p.Asp91Ala; replaces aspartic acid 91 with alanine.
Molecular consequence: missense variant.
Genome position (GRCh38, 1-based): chr21:31,667,290, A>C. VCF-style: chr21-31667290-A-C. GRCh37 (hg19) VCF-style: chr21-33039603-A-C.
Other names: D90A; short protein forms D91A.
Identifiers: ClinVar variation 14766 (VCV000014766.82), dbSNP rs80265967, ClinGen allele CA124296.